The following is an entry in ClinVar:

NM_002772.3(TMPRSS15):c.1216C>T (p.Arg406Ter)

Gene: TMPRSS15 (transmembrane serine protease 15; minus strand). Cytogenetic location: 21q21.1.
Variant type: single nucleotide variant.
Coding change: c.1216C>T on transcript NM_002772.3 (MANE Select); coding-DNA position 1216, C replaced by T.
Protein change: p.Arg406Ter; replaces arginine 406 with a stop codon.
Molecular consequence: nonsense.
Genome position (GRCh38, 1-based): chr21:18,344,016, G>A on the plus strand (C>T on the coding strand, the complement: TMPRSS15 is on the minus strand). VCF-style: chr21-18344016-G-A. GRCh37 (hg19) VCF-style: chr21-19716333-G-A.
Other names: short protein forms R406*.
Identifiers: ClinVar variation 2869535 (VCV002869535.5), dbSNP rs776691605, ClinGen allele CA9984508.

ClinVar aggregate classification (germline): Pathogenic. Review status: criteria provided, multiple submitters, no conflicts (2 of 4 stars). 2 submissions from 2 submitters: Pathogenic (2). Last evaluated 2025-08-19.

Conditions:
Enterokinase deficiency. Also called: ENTEROPEPTIDASE DEFICIENCY; Congenital enteropathy due to enteropeptidase deficiency; Deficiency of enteropeptidase. Identifiers: Orphanet 168601, MedGen C0268416, MONDO:0009173, OMIM 226200.

Allele frequency attached by ClinVar (database versions not stated): gnomAD 0.00001; ExAC 0.00002; TOPMed 0.00003.
gnomAD v4.1: 12 of 1,613,960 alleles (0.00074%); highest among the groups gnomAD compares: East Asian, 0.0067%; no homozygotes.

Submissions (2):

Labcorp Genetics (formerly Invitae), Labcorp
Classification: Pathogenic. Last evaluated: 2025-08-19. Review status: criteria provided, single submitter. Criteria: Invitae Variant Classification Sherloc (09022015). Collection method: clinical testing. Allele origin: germline.
Comment: This sequence change creates a premature translational stop signal (p.Arg406*) in the TMPRSS15 gene. It is expected to result in an absent or disrupted protein product. Loss-of-function variants in TMPRSS15 are known to be pathogenic (PMID: 11719902). This variant is present in population databases (rs776691605, gnomAD 0.006%). This premature translational stop signal has been observed in individual(s) with TMPRSS15-related conditions (PMID: 36410965). ClinVar contains an entry for this variant (Variation ID: 2869535). For these reasons, this variant has been classified as Pathogenic.

Juno Genomics, Hangzhou Juno Genomics, Inc
Classification: Pathogenic for Enterokinase deficiency. Review status: criteria provided, single submitter. Criteria: ACMG Guidelines, 2015. Collection method: clinical testing. Allele origin: germline.
Comment: Absent from controls (or at extremely low frequency if recessive) in Genome Aggregation Database.;Null variant in a gene where loss of function (LOF) is a known mechanism of disease.;For recessive disorders, detected in trans with a pathogenic variant.;Patient's phenotype or family history is highly specific for a disease with a single genetic etiology.

Literature cited by the submitters: PubMed 11719902 (cited by Labcorp Genetics (formerly Invitae), Labcorp); PubMed 36410965 (cited by Labcorp Genetics (formerly Invitae), Labcorp).